The following is an entry in ClinVar:

NM_001429.4(EP300):c.3107_3108insTCT (p.Gln1036delinsHisLeu)

Genes: EP300 (E1A binding protein p300; plus strand), LOC126863158 (BRD4-independent group 4 enhancer GRCh37_chr22:41547383-41548582; plus strand). Cytogenetic location: 22q13.2.
Variant type: Insertion.
Coding change: c.3107_3108insTCT on transcript NM_001429.4 (MANE Select); coding-DNA positions 3107 to 3108, TCT inserted.
Protein change: p.Gln1036delinsHisLeu.
Molecular consequence: inframe indel.
Genome position: GRCh38 VCF-style: chr22-41152315-A-ATCT. GRCh37 (hg19) VCF-style: chr22-41548319-A-ATCT.
Other names: c.3029_3030insTCT, p.Gln1010delinsHisLeu (NM_001362843.2).
Identifiers: ClinVar variation 2502650 (VCV002502650.1), dbSNP rs2517801573, ClinGen allele CA2580615318.

ClinVar aggregate classification (germline): Uncertain significance (1 of 4 stars; one submission).

Submission:

GeneDx
Classification: Uncertain significance. Last evaluated: 2022-11-16. Review status: criteria provided, single submitter. Criteria: GeneDx Variant Classification Process June 2021. Collection method: clinical testing. Allele origin: germline. Affected: yes.
Comment: In-frame deletion of 1 amino acid and insertion of 2 amino acids in a non-repeat region; Not observed at significant frequency in large population cohorts (gnomAD); Has not been previously published as pathogenic or benign to our knowledge